The following is an entry in ClinVar:

NM_005359.6(SMAD4):c.873C>T (p.His291=)

Gene: SMAD4 (SMAD family member 4; plus strand). Cytogenetic location: 18q21.2.
Variant type: single nucleotide variant.
Coding change: c.873C>T on transcript NM_005359.6 (MANE Select); coding-DNA position 873, C replaced by T.
Protein change: p.His291=; no amino-acid change (histidine 291 retained).
Molecular consequence: synonymous variant. On other transcripts: non-coding transcript variant (2).
Genome position (GRCh38, 1-based): chr18:51,058,425, C>T. VCF-style: chr18-51058425-C-T. GRCh37 (hg19) VCF-style: chr18-48584795-C-T.
Other names: c.873C>T, p.His291= (NM_001407041.1, NM_001407042.1, NM_001407043.1).
Identifiers: ClinVar variation 3903595 (VCV003903595.1).

ClinVar aggregate classification (germline): Benign (1 of 4 stars; one submission).

Conditions:
Juvenile polyposis/hereditary hemorrhagic telangiectasia syndrome (JPHT). Also called: JP/HHT SYNDROME; JUVENILE POLYPOSIS WITH HEREDITARY HEMORRHAGIC TELANGIECTASIA; POLYPOSIS, GENERALIZED JUVENILE, WITH PULMONARY ARTERIOVENOUS MALFORMATION; TELANGIECTASIA, HEREDITARY HEMORRHAGIC, WITH JUVENILE POLYPOSIS COLI; Juvenile Polyposis Syndrome / Hereditary Hemorrhagic Telangiectasia (JPS/HHT). Identifiers: Orphanet 2929, MedGen C1832942, MONDO:0008278, OMIM 175050.

gnomAD v4.1: 1 of 1,613,938 alleles (0.000062%); highest among the groups gnomAD compares: Non-Finnish European, 0.000085%; no homozygotes.

Submission:

Myriad Genetics, Inc.
Classification: Benign for Juvenile polyposis/hereditary hemorrhagic telangiectasia syndrome. Last evaluated: 2025-03-20. Review status: criteria provided, single submitter. Criteria: Myriad Autosomal Dominant, Autosomal Recessive and X-Linked Classification Criteria (2023). Collection method: clinical testing. Allele origin: unknown.
Comment: This variant is considered benign. This variant is a silent/synonymous amino acid change and it is not expected to impact splicing.